The following is an entry in ClinVar:

ClinVar aggregate classification (germline): Uncertain significance (1 of 4 stars; one submission).

Conditions:
Hereditary cancer-predisposing syndrome. Also called: Neoplastic Syndromes, Hereditary; Tumor predisposition; Hereditary Cancer Syndrome; Hereditary neoplastic syndrome. Identifiers: Orphanet 140162, MedGen C0027672, MeSH D009386, MONDO:0015356.

Submission:

Ambry Genetics
Classification: Uncertain significance for Hereditary cancer-predisposing syndrome. Last evaluated: 2025-12-15. Review status: criteria provided, single submitter. Criteria: Ambry Variant Classification Scheme 2023. Collection method: clinical testing. Allele origin: germline.
Comment: The p.E284K variant (also known as c.850G>A), located in coding exon 3 of the BLM gene, results from a G to A substitution at nucleotide position 850. The glutamic acid at codon 284 is replaced by lysine, an amino acid with similar properties. This amino acid position is conserved. In addition, this alteration is predicted to be tolerated by in silico analysis. Based on the available evidence, the clinical significance of this variant remains unclear.

NM_000057.4(BLM):c.850G>A (p.Glu284Lys)

Gene: BLM (BLM RecQ like helicase; plus strand). Cytogenetic location: 15q26.1.
Variant type: single nucleotide variant.
Coding change: c.850G>A on transcript NM_000057.4 (MANE Select); coding-DNA position 850, G replaced by A.
Protein change: p.Glu284Lys; replaces glutamic acid 284 with lysine.
Molecular consequence: missense variant. On other transcripts: 5 prime UTR variant (1).
Genome position (GRCh38, 1-based): chr15:90,751,837, G>A. VCF-style: chr15-90751837-G-A. GRCh37 (hg19) VCF-style: chr15-91295067-G-A.
Other names: c.850G>A, p.Glu284Lys (NM_001287246.2, NM_001287247.2); c.-442G>A (NM_001287248.2); short protein forms E284K.
Identifiers: ClinVar variation 4843384 (VCV004843384.1).
Genomic context (GRCh38, chr15:90,751,837, plus strand): 5'-TTTACTGTAGATAATAGCGAAAAGAAGAAGAATTTGGAAGAAGCTGAATTACATTCAACT[G>A]AGAAAGTTCCATGTATTGAATTTGATGATGATGATTATGATACGGATTTTGTTCCACCTT-3'
Protein context (NP_000048.1, residues 274-294): NLEEAELHST[Glu284Lys]KVPCIEFDDD